The following is an entry in ClinVar:

NM_003901.4(SGPL1):c.1700C>T (p.Pro567Leu)

Gene: SGPL1 (sphingosine-1-phosphate lyase 1; plus strand). Cytogenetic location: 10q22.1.
Variant type: single nucleotide variant.
Coding change: c.1700C>T on transcript NM_003901.4 (MANE Select); coding-DNA position 1700, C replaced by T.
Protein change: p.Pro567Leu; replaces proline 567 with leucine.
Molecular consequence: missense variant. On other transcripts: non-coding transcript variant (1).
Genome position (GRCh38, 1-based): chr10:70,877,328, C>T. VCF-style: chr10-70877328-C-T. GRCh37 (hg19) VCF-style: chr10-72637085-C-T.
Other names: c.1460C>T, p.Pro487Leu (NM_001437828.1); c.1733C>T, p.Pro578Leu (NM_001438353.1); c.1700C>T, p.Pro567Leu (NM_001438354.1, NM_001438355.1, NM_001438356.1 and 1 more transcripts); short protein forms P487L, P567L, P578L.
Identifiers: ClinVar variation 4528218 (VCV004528218.1).

ClinVar aggregate classification (germline): Uncertain significance (1 of 4 stars; one submission).

gnomAD v4.1: 4 of 1,614,010 alleles (0.00025%); highest among the groups gnomAD compares: Admixed American, 0.005%; no homozygotes.

Submission:

GeneDx
Classification: Uncertain significance. Last evaluated: 2025-05-08. Review status: criteria provided, single submitter. Criteria: GeneDx Variant Classification Process June 2021. Collection method: clinical testing. Allele origin: germline. Affected: yes.
Comment: In silico analysis suggests that this missense variant does not alter protein structure/function; Has not been previously published as pathogenic or benign to our knowledge